The following is an entry in ClinVar:

NM_022455.5(NSD1):c.6358G>T (p.Glu2120Ter)

Gene: NSD1 (nuclear receptor binding SET domain protein 1; plus strand). Cytogenetic location: 5q35.3.
Variant type: single nucleotide variant.
Coding change: c.6358G>T on transcript NM_022455.5 (MANE Select); coding-DNA position 6358, G replaced by T.
Protein change: p.Glu2120Ter; replaces glutamic acid 2120 with a stop codon.
Molecular consequence: nonsense.
Genome position (GRCh38, 1-based): chr5:177,292,053, G>T. VCF-style: chr5-177292053-G-T. GRCh37 (hg19) VCF-style: chr5-176719054-G-T.
Other names: c.6358G>T, p.Glu2120Ter (NM_001409303.1, NM_001409301.1, NM_001409302.1); c.5938G>T, p.Glu1980Ter (NM_001409304.1); c.5605G>T, p.Glu1869Ter (NM_001409305.1); c.5596G>T, p.Glu1866Ter (NM_001409306.1, NM_001409307.1); c.5485G>T, p.Glu1829Ter (NM_001409308.1, NM_001365684.2, NM_172349.5); c.5236G>T, p.Glu1746Ter (NM_001409309.1); short protein forms E2120*, E1851*, E1829*, E1980*, E1746*, E1866*, E1869*.
Identifiers: ClinVar variation 637037 (VCV000637037.2), dbSNP rs1581558015, ClinGen allele CA362320538.

ClinVar aggregate classification (germline): Pathogenic (1 of 4 stars; one submission).

Conditions:
Sotos syndrome (SOTOS). Also called: CHROMOSOME 5q35 DELETION SYNDROME; CEREBRAL GIGANTISM; Sotos' syndrome; SOTOS SYNDROME 1; Distinctive facial appearance, overgrowth in childhood, and learning disabilities or delayed development. Identifiers: Orphanet 821, MedGen C0175695, MONDO:0019349, OMIM 117550.

Submission:

Laboratory of Medical Genetics, National & Kapodistrian University of Athens
Classification: Pathogenic for Sotos syndrome. Last evaluated: 2018-05-07. Review status: criteria provided, single submitter. Criteria: ACMG Guidelines, 2015. Collection method: clinical testing. Allele origin: de novo. Affected: yes.
Comment: PVS1,PM1,PM2,PM4,PP2,PP3